The following is an entry in ClinVar:

ClinVar aggregate classification (germline): Uncertain significance (1 of 4 stars; one submission).

Conditions:
ALG6-congenital disorder of glycosylation 1C (CDG1C). Also called: Congenital disorder of glycosylation type 1C; CARBOHYDRATE-DEFICIENT GLYCOPROTEIN SYNDROME, TYPE I, WITH DEFICIENT GLYCOSYLATION OF DOLICHOL-LINKED OLIGOSACCHARIDE; CARBOHYDRATE-DEFICIENT GLYCOPROTEIN SYNDROME, TYPE V; CDG Ic; Congenital disorder of glycosylation, type Ic. Identifiers: Orphanet 79320, MedGen C2930997, MONDO:0011291, OMIM 603147.

Allele frequency attached by ClinVar (database versions not stated): ExAC 0.00002.
gnomAD v4.1: 5 of 1,613,794 alleles (0.00031%); highest among the groups gnomAD compares: Admixed American, 0.0083%; no homozygotes.

Submission:

Labcorp Genetics (formerly Invitae), Labcorp
Classification: Uncertain significance for ALG6-congenital disorder of glycosylation 1C. Last evaluated: 2022-07-18. Review status: criteria provided, single submitter. Criteria: Invitae Variant Classification Sherloc (09022015). Collection method: clinical testing. Allele origin: germline.
Comment: This sequence change replaces phenylalanine, which is neutral and non-polar, with valine, which is neutral and non-polar, at codon 210 of the ALG6 protein (p.Phe210Val). This variant is present in population databases (rs748777354, gnomAD 0.01%). This variant has not been reported in the literature in individuals affected with ALG6-related conditions. Algorithms developed to predict the effect of missense changes on protein structure and function are either unavailable or do not agree on the potential impact of this missense change (SIFT: "Tolerated"; PolyPhen-2: "Possibly Damaging"; Align-GVGD: "Class C0"). In summary, the available evidence is currently insufficient to determine the role of this variant in disease. Therefore, it has been classified as a Variant of Uncertain Significance.

NM_013339.4(ALG6):c.628T>G (p.Phe210Val)

Gene: ALG6 (ALG6 alpha-1,3-glucosyltransferase; plus strand). Cytogenetic location: 1p31.3.
Variant type: single nucleotide variant.
Coding change: c.628T>G on transcript NM_013339.4 (MANE Select); coding-DNA position 628, T replaced by G.
Protein change: p.Phe210Val; replaces phenylalanine 210 with valine.
Molecular consequence: missense variant.
Genome position (GRCh38, 1-based): chr1:63,411,279, T>G. VCF-style: chr1-63411279-T-G. GRCh37 (hg19) VCF-style: chr1-63876950-T-G.
Other names: short protein forms F210V.
Identifiers: ClinVar variation 2129005 (VCV002129005.1), dbSNP rs748777354, ClinGen allele CA888211.